The following is an entry in ClinVar:

NM_003579.4(RAD54L):c.707G>A (p.Gly236Glu)

Gene: RAD54L (RAD54 like; plus strand). Cytogenetic location: 1p34.1.
Variant type: single nucleotide variant.
Coding change: c.707G>A on transcript NM_003579.4 (MANE Select); coding-DNA position 707, G replaced by A.
Protein change: p.Gly236Glu; replaces glycine 236 with glutamic acid.
Molecular consequence: missense variant.
Genome position (GRCh38, 1-based): chr1:46,260,956, G>A. VCF-style: chr1-46260956-G-A. GRCh37 (hg19) VCF-style: chr1-46726628-G-A.
Other names: c.707G>A, p.Gly236Glu (NM_001142548.2); c.167G>A, p.Gly56Glu (NM_001370766.1); short protein forms G236E, G56E.
Identifiers: ClinVar variation 1757036 (VCV001757036.2), dbSNP rs2148288596, ClinGen allele CA340187533.
Genomic context (GRCh38, chr1:46,260,956, plus strand): 5'-TGGTGTCGCCTTCCAGCCTGGTGAAGAACTGGTACAATGAGGTTGGGAAATGGCTCGGAG[G>A]GAGGATCCAACCTCTGGCCATCGATGGAGGATCTAAGGATGAAATAGACCAAAAGCTGGG-3'
Protein context (NP_003570.2, residues 226-246): WYNEVGKWLG[Gly236Glu]RIQPLAIDGG

ClinVar aggregate classification (germline): Uncertain significance (1 of 4 stars; one submission).

Submission:

Ambry Genetics
Classification: Uncertain significance. Last evaluated: 2022-05-17. Review status: criteria provided, single submitter. Criteria: Ambry Variant Classification Scheme 2023. Collection method: clinical testing. Allele origin: germline.
Comment: The p.G236E variant (also known as c.707G>A), located in coding exon 7 of the RAD54L gene, results from a G to A substitution at nucleotide position 707. The glycine at codon 236 is replaced by glutamic acid, an amino acid with similar properties. This amino acid position is conserved. In addition, this alteration is predicted to be deleterious by in silico analysis. Since supporting evidence is limited at this time, the clinical significance of this alteration remains unclear.